The following is an entry in ClinVar:

ClinVar aggregate classification (germline): Pathogenic/Likely pathogenic. Review status: criteria provided, multiple submitters, no conflicts (2 of 4 stars). 3 submissions from 3 submitters: Pathogenic (1); Likely pathogenic (1). 1 of the submissions does not count toward it. Last evaluated 2026-01-06.

Conditions:
Progressive sclerosing poliodystrophy (MTDPS4A). Also called: Alpers Syndrome; ALPERS DIFFUSE DEGENERATION OF CEREBRAL GRAY MATTER WITH HEPATIC CIRRHOSIS; Alpers-Huttenlocher Syndrome; ALPERS PROGRESSIVE INFANTILE POLIODYSTROPHY; Mitochondrial DNA Depletion Syndrome 4A; NEURONAL DEGENERATION OF CHILDHOOD WITH LIVER DISEASE, PROGRESSIVE. Identifiers: Orphanet 726, MedGen C0205710, MONDO:0008758, OMIM 203700.
Progressive external ophthalmoplegia with mitochondrial DNA deletions, autosomal dominant 1 (PEOA1). Also called: PROGRESSIVE EXTERNAL OPHTHALMOPLEGIA, AUTOSOMAL DOMINANT 1; Autosomal Dominant Progressive External Ophthalmoplegia (adPEO). Identifiers: MedGen C1834846, MONDO:0024528, OMIM 157640.
Progressive external ophthalmoplegia with mitochondrial DNA deletions, autosomal recessive 1 (PEOB1). Also called: Autosomal Recessive Progressive External Ophthalmoplegia (arPEO); Progressive external ophthalmoplegia, autosomal recessive 1. Identifiers: Orphanet 254886, MedGen C4225153, MONDO:0009783, OMIM 258450.
Mitochondrial DNA depletion syndrome 4b. Also called: Mitochondrial Neurogastrointestinal Encephalopathy Disease, POLG-Related; MNGIE, POLG-RELATED. Identifiers: Orphanet 298, MedGen C3150914, MONDO:0013350, OMIM 613662.
Sensory ataxic neuropathy, dysarthria, and ophthalmoparesis (SANDO). Also called: Sensory ataxic neuropathy-dysarthria-ophthalmoparesis syndrome; Epilepsy, progressive myoclonic, type 5; SENSORY ATAXIC NEUROPATHY WITH MITOCHONDRIAL DNA DELETIONS, AUTOSOMAL RECESSIVE; Ataxia Neuropathy Spectrum (ANS). Identifiers: Orphanet 70595, MedGen C1843851, MONDO:0011835, OMIM 607459.

gnomAD v4.1: 4 of 1,614,086 alleles (0.00025%); highest among the groups gnomAD compares: Non-Finnish European, 0.00034%; no homozygotes.

Submissions (3):

Labcorp Genetics (formerly Invitae), Labcorp
Classification: Pathogenic for Progressive sclerosing poliodystrophy. Last evaluated: 2026-01-06. Review status: criteria provided, single submitter. Criteria: Invitae Variant Classification Sherloc (09022015). Collection method: clinical testing. Allele origin: germline.
Comment: This sequence change replaces glycine, which is neutral and non-polar, with arginine, which is basic and polar, at codon 737 of the POLG protein (p.Gly737Arg). This variant is present in population databases (rs121918054, gnomAD 0.0009%). This missense change has been observed in individual(s) with autosomal recessive POLG-related conditions (PMID: 16634032, 18195151, 18546365, 18585914, 19566497, 24725338). In at least one individual the data is consistent with being in trans (on the opposite chromosome) from a pathogenic variant. It has also been observed to segregate with disease in related individuals. ClinVar contains an entry for this variant (Variation ID: 594491). Invitae Evidence Modeling of protein sequence and biophysical properties (such as structural, functional, and spatial information, amino acid conservation, physicochemical variation, residue mobility, and thermodynamic stability) indicates that this missense variant is expected to disrupt POLG protein function with a positive predictive value of 95%. For these reasons, this variant has been classified as Pathogenic.

Fulgent Genetics
Classification: Likely pathogenic for Progressive external ophthalmoplegia with mitochondrial DNA deletions, autosomal dominant 1; Progressive sclerosing poliodystrophy; Progressive external ophthalmoplegia with mitochondrial DNA deletions, autosomal recessive 1; Sensory ataxic neuropathy, dysarthria, and ophthalmoparesis; Mitochondrial DNA depletion syndrome 4b. Last evaluated: 2024-01-31. Review status: criteria provided, single submitter. Criteria: ACMG Guidelines, 2015. Collection method: clinical testing. Allele origin: germline.

Eurofins Ntd Llc (ga)
Classification: Uncertain significance. Last evaluated: 2017-10-16. Review status: flagged submission. Criteria: EGL Classification Definitions 2015. Collection method: clinical testing. Allele origin: germline. Observed: 1 variant allele, 1 heterozygote. Not counted in ClinVar's aggregate classification.
ClinVar note: Reason: Older and outlier claim with insufficient supporting evidence

Literature cited by the submitters: PubMed 16634032 (cited by Labcorp Genetics (formerly Invitae), Labcorp); PubMed 18195151 (cited by Labcorp Genetics (formerly Invitae), Labcorp); PubMed 18546365 (cited by Labcorp Genetics (formerly Invitae), Labcorp); PubMed 18585914 (cited by Labcorp Genetics (formerly Invitae), Labcorp); PubMed 19566497 (cited by Labcorp Genetics (formerly Invitae), Labcorp); PubMed 24725338 (cited by Labcorp Genetics (formerly Invitae), Labcorp).

NM_002693.3(POLG):c.2209G>A (p.Gly737Arg)

Gene: POLG (DNA polymerase gamma, catalytic subunit; minus strand). Cytogenetic location: 15q26.1.
Variant type: single nucleotide variant.
Coding change: c.2209G>A on transcript NM_002693.3 (MANE Select); coding-DNA position 2209, G replaced by A.
Protein change: p.Gly737Arg; replaces glycine 737 with arginine.
Molecular consequence: missense variant.
Genome position (GRCh38, 1-based): chr15:89,323,460, C>T on the plus strand (G>A on the coding strand, the complement: POLG is on the minus strand). VCF-style: chr15-89323460-C-T. GRCh37 (hg19) VCF-style: chr15-89866691-C-T.
Other names: c.2209G>A, p.Gly737Arg (NM_001126131.2); short protein forms G737R.
Identifiers: ClinVar variation 594491 (VCV000594491.7), dbSNP rs121918054, ClinGen allele CA7724543.